The following is an entry in ClinVar:

ClinVar aggregate classification (germline): Uncertain significance (1 of 4 stars; one submission).

Conditions:
Alstrom syndrome (ALMS). Identifiers: Orphanet 64, MedGen C0268425, MONDO:0008763, OMIM 203800.

Allele frequency attached by ClinVar (database versions not stated): gnomAD exomes below 0.00001.
gnomAD v4.1: 3 of 1,613,628 alleles (0.00019%); highest among the groups gnomAD compares: Non-Finnish European, 0.00025%; no homozygotes.

Submission:

Labcorp Genetics (formerly Invitae), Labcorp
Classification: Uncertain significance for Alstrom syndrome. Last evaluated: 2021-12-24. Review status: criteria provided, single submitter. Criteria: Invitae Variant Classification Sherloc (09022015). Collection method: clinical testing. Allele origin: germline.
Comment: In summary, the available evidence is currently insufficient to determine the role of this variant in disease. Therefore, it has been classified as a Variant of Uncertain Significance. Experimental studies and prediction algorithms are not available or were not evaluated, and the functional significance of this variant is currently unknown. This variant has not been reported in the literature in individuals affected with ALMS1-related conditions. This variant is not present in population databases (gnomAD no frequency). This sequence change replaces asparagine, which is neutral and polar, with lysine, which is basic and polar, at codon 3557 of the ALMS1 protein (p.Asn3557Lys).

NM_001378454.1(ALMS1):c.10668C>G (p.Asn3556Lys)

Gene: ALMS1 (ALMS1 centrosome and basal body associated protein; plus strand). Cytogenetic location: 2p13.1.
Variant type: single nucleotide variant.
Coding change: c.10668C>G on transcript NM_001378454.1 (MANE Select); coding-DNA position 10668, C replaced by G.
Protein change: p.Asn3556Lys; replaces asparagine 3556 with lysine.
Molecular consequence: missense variant.
Genome position (GRCh38, 1-based): chr2:73,572,545, C>G. VCF-style: chr2-73572545-C-G. GRCh37 (hg19) VCF-style: chr2-73799672-C-G.
Other names: c.10671C>G, p.Asn3557Lys (NM_015120.4); short protein forms N3556K, N3557K.
Identifiers: ClinVar variation 1912963 (VCV001912963.5), dbSNP rs2466444077, ClinGen allele CA347284620.